The following is an entry in ClinVar:

NM_001283009.2(RTEL1):c.3695G>A (p.Gly1232Glu)

Genes: RTEL1 (regulator of telomere elongation helicase 1; plus strand), RTEL1-TNFRSF6B (RTEL1-TNFRSF6B readthrough (NMD candidate); plus strand). Cytogenetic location: 20q13.33.
Variant type: single nucleotide variant.
Coding change: c.3695G>A on transcript NM_001283009.2 (MANE Select); coding-DNA position 3695, G replaced by A.
Protein change: p.Gly1232Glu; replaces glycine 1232 with glutamic acid.
Molecular consequence: missense variant. On other transcripts: non-coding transcript variant (1), intron variant (3).
Genome position (GRCh38, 1-based): chr20:63,695,523, G>A. VCF-style: chr20-63695523-G-A. GRCh37 (hg19) VCF-style: chr20-62326876-G-A.
Other names: c.2983+43G>A (NM_001283010.1); c.3724+43G>A (NM_032957.5); c.3652+43G>A (NM_016434.4); short protein forms G1232E.
Identifiers: ClinVar variation 3791181 (VCV003791181.1).

ClinVar aggregate classification (germline): Uncertain significance (1 of 4 stars; one submission).

Conditions:
Inborn genetic diseases. Identifiers: MedGen C0950123, MeSH D030342.

gnomAD v4.1: 2 of 1,612,254 alleles (0.00012%); highest among the groups gnomAD compares: Non-Finnish European, 0.00017%; no homozygotes.

Submission:

Ambry Genetics
Classification: Uncertain significance for Inborn genetic diseases. Last evaluated: 2025-02-23. Review status: criteria provided, single submitter. Criteria: Ambry Variant Classification Scheme 2023. Collection method: clinical testing. Allele origin: germline.
Comment: The p.G1232E variant (also known as c.3695G>A), located in coding exon 33 of the RTEL1 gene, results from a G to A substitution at nucleotide position 3695. The glycine at codon 1232 is replaced by glutamic acid, an amino acid with similar properties. This amino acid position is conserved. In addition, this alteration is predicted to be tolerated by in silico analysis. Based on the available evidence, the clinical significance of this variant remains unclear.